The following is an entry in ClinVar:

NM_001081.4(CUBN):c.4350+2T>C

Gene: CUBN (cubilin; minus strand). Cytogenetic location: 10p13.
Variant type: single nucleotide variant.
Coding change: c.4350+2T>C on transcript NM_001081.4 (MANE Select); the canonical splice donor site of the intron after coding-DNA position 4350, T replaced by C.
Molecular consequence: splice donor variant.
Genome position (GRCh38, 1-based): chr10:16,990,332, A>G on the plus strand (T>C on the coding strand, the complement: CUBN is on the minus strand). VCF-style: chr10-16990332-A-G. GRCh37 (hg19) VCF-style: chr10-17032331-A-G.
Identifiers: ClinVar variation 1328629 (VCV001328629.9), dbSNP rs371489485, ClinGen allele CA203572988.

ClinVar aggregate classification (germline): Likely pathogenic. Review status: criteria provided, multiple submitters, no conflicts (2 of 4 stars). 3 submissions from 3 submitters: Likely pathogenic (3). Last evaluated 2025-10-22.

Conditions:
Proteinuria, chronic benign. Identifiers: MedGen C5394384, MONDO:0030042, OMIM 618884.
Imerslund-Grasbeck syndrome type 1 (IGS1). Also called: Megaloblastic anemia 1, Finnish type; MEGALOBLASTIC ANEMIA, 1; Imerslund-Gräsbeck syndrome 1. Identifiers: MedGen C4016819, MONDO:0100156, OMIM 261100.
Imerslund-Grasbeck syndrome. Also called: PERNICIOUS ANEMIA, JUVENILE, DUE TO SELECTIVE INTESTINAL MALABSORPTION OF VITAMIN B12, WITH PROTEINURIA; Imerslund-Gräsbeck syndrome; ENTEROCYTE COBALAMIN MALABSORPTION; ENTEROCYTE INTRINSIC FACTOR RECEPTOR, DEFECT OF; Megaloblastic anemia due to inborn errors of metabolism. Identifiers: Orphanet 35858, MedGen C4551825, MONDO:0009853.

Allele frequency attached by ClinVar (database versions not stated): gnomAD exomes 0.00002; ESP Exome Variant Server 0.00008.
gnomAD v4.1: 29 of 1,614,044 alleles (0.0018%); highest among the groups gnomAD compares: Non-Finnish European, 0.0025%; no homozygotes.

Submissions (3):

GeneDx
Classification: Likely pathogenic. Last evaluated: 2025-10-22. Review status: criteria provided, single submitter. Criteria: GeneDx Variant Classification Process June 2021. Collection method: clinical testing. Allele origin: germline. Affected: yes.
Comment: Canonical splice site variant predicted to result in a null allele in a gene for which loss of function is a known mechanism of disease; Not observed at significant frequency in large population cohorts (gnomAD); Has not been previously published as pathogenic or benign to our knowledge

Fulgent Genetics
Classification: Likely pathogenic for Imerslund-Grasbeck syndrome type 1; Proteinuria, chronic benign. Last evaluated: 2024-06-04. Review status: criteria provided, single submitter. Criteria: ACMG Guidelines, 2015. Collection method: clinical testing. Allele origin: germline.

Labcorp Genetics (formerly Invitae), Labcorp
Classification: Likely pathogenic for Imerslund-Grasbeck syndrome. Last evaluated: 2022-02-01. Review status: criteria provided, single submitter. Criteria: Invitae Variant Classification Sherloc (09022015). Collection method: clinical testing. Allele origin: germline.
Comment: In summary, the currently available evidence indicates that the variant is pathogenic, but additional data are needed to prove that conclusively. Therefore, this variant has been classified as Likely Pathogenic. Algorithms developed to predict the effect of sequence changes on RNA splicing suggest that this variant may disrupt the consensus splice site. ClinVar contains an entry for this variant (Variation ID: 1328629). This variant has not been reported in the literature in individuals affected with CUBN-related conditions. This variant is not present in population databases (gnomAD no frequency). This sequence change affects a donor splice site in intron 29 of the CUBN gene. It is expected to disrupt RNA splicing. Variants that disrupt the donor or acceptor splice site typically lead to a loss of protein function (PMID: 16199547), and loss-of-function variants in CUBN are known to be pathogenic (PMID: 15024727, 22929189).

Literature cited by the submitters: PubMed 16199547 (cited by Labcorp Genetics (formerly Invitae), Labcorp); PubMed 15024727 (cited by Labcorp Genetics (formerly Invitae), Labcorp); PubMed 22929189 (cited by Labcorp Genetics (formerly Invitae), Labcorp).